The following is an entry in ClinVar:

ClinVar aggregate classification (germline): Uncertain significance (1 of 4 stars; one submission).

Allele frequency attached by ClinVar (database versions not stated): TOPMed 0.00005; gnomAD 0.00007 and 0.00008; gnomAD exomes 0.00012 and 0.00015; ExAC 0.00021; ESP Exome Variant Server 0.00023.
gnomAD v4.1: 188 of 1,614,060 alleles (0.012%); highest among the groups gnomAD compares: Non-Finnish European, 0.014%; 1 homozygote.

Submission:

Labcorp Genetics (formerly Invitae), Labcorp
Classification: Uncertain significance. Last evaluated: 2026-01-21. Review status: criteria provided, single submitter. Criteria: Invitae Variant Classification Sherloc (09022015). Collection method: clinical testing. Allele origin: germline.
Comment: This sequence change replaces glutamine, which is neutral and polar, with leucine, which is neutral and non-polar, at codon 1272 of the ERBIN protein (p.Gln1272Leu). This variant is present in population databases (rs200490128, gnomAD 0.03%). This variant has not been reported in the literature in individuals affected with ERBIN-related conditions. ClinVar contains an entry for this variant (Variation ID: 1447578). An algorithm developed to predict the effect of missense changes on protein structure and function (PolyPhen-2) suggests that this variant is likely to be tolerated. Algorithms developed to predict the effect of sequence changes on RNA splicing suggest that this variant may create or strengthen a splice site. In summary, the available evidence is currently insufficient to determine the role of this variant in disease. Therefore, it has been classified as a Variant of Uncertain Significance.

NM_001253697.2(ERBIN):c.3815A>T (p.Gln1272Leu)

Gene: ERBIN (erbb2 interacting protein; plus strand). Cytogenetic location: 5q12.3.
Variant type: single nucleotide variant.
Coding change: c.3815A>T on transcript NM_001253697.2 (MANE Select); coding-DNA position 3815, A replaced by T.
Protein change: p.Gln1272Leu; replaces glutamine 1272 with leucine.
Molecular consequence: missense variant. On other transcripts: intron variant (1).
Genome position (GRCh38, 1-based): chr5:66,075,082, A>T. VCF-style: chr5-66075082-A-T. GRCh37 (hg19) VCF-style: chr5-65370910-A-T.
Other names: c.3692A>T, p.Gln1231Leu (NM_001253698.2, NM_018695.4); c.3836A>T, p.Gln1279Leu (NM_001253699.2); c.3680A>T, p.Gln1227Leu (NM_001253701.2); c.3634-1234A>T (NM_001006600.3); short protein forms Q1272L, Q1227L, Q1231L, Q1279L.
Identifiers: ClinVar variation 1447578 (VCV001447578.8), dbSNP rs200490128, ClinGen allele CA3286731.